The following is an entry in ClinVar:

ClinVar aggregate classification (germline): Uncertain significance (1 of 4 stars; one submission).

Conditions:
Familial thoracic aortic aneurysm and aortic dissection (TAAD). Also called: Thoracic aortic aneurysms and dissections. Identifiers: Orphanet 91387, MedGen C4707243, MONDO:0019625.

Submission:

Ambry Genetics
Classification: Uncertain significance for Familial thoracic aortic aneurysm and aortic dissection. Last evaluated: 2019-08-19. Review status: criteria provided, single submitter. Criteria: Ambry Variant Classification Scheme 2023. Collection method: clinical testing. Allele origin: germline.
Comment: The p.L69Q variant (also known as c.206T>A), located in coding exon 2 of the ACTA2 gene, results from a T to A substitution at nucleotide position 206. The leucine at codon 69 is replaced by glutamine, an amino acid with dissimilar properties. This variant was reported in three affected individuals from one family in a thoracic aortic aneurysm and dissection (TAAD) cohort; however, clinical details were limited (Regalado ES et al. Circ Cardiovasc Genet, 2015 Jun;8:457-64). This amino acid position is highly conserved in available vertebrate species. In addition, this alteration is predicted to be deleterious by in silico analysis. Since supporting evidence is limited at this time, the clinical significance of this alteration remains unclear.

Literature cited by the submitters: PubMed 25759435.

NM_001613.4(ACTA2):c.206T>A (p.Leu69Gln)

Gene: ACTA2 (actin alpha 2, smooth muscle; minus strand). Cytogenetic location: 10q23.31.
Variant type: single nucleotide variant.
Coding change: c.206T>A on transcript NM_001613.4 (MANE Select); coding-DNA position 206, T replaced by A.
Protein change: p.Leu69Gln; replaces leucine 69 with glutamine.
Molecular consequence: missense variant.
Genome position (GRCh38, 1-based): chr10:88,947,310, A>T on the plus strand (T>A on the coding strand, the complement: ACTA2 is on the minus strand). VCF-style: chr10-88947310-A-T. GRCh37 (hg19) VCF-style: chr10-90707067-A-T.
Other names: c.206T>A, p.Leu69Gln (NM_001141945.3, NM_001320855.2, NM_001406462.1 and 4 more transcripts); short protein forms L69Q.
Identifiers: ClinVar variation 1785362 (VCV001785362.2), dbSNP rs2494570603, ClinGen allele CA377513396.